The following is an entry in ClinVar:

ClinVar aggregate classification (germline): Likely benign (1 of 4 stars; one submission).

Submission:

Mayo Clinic Laboratories, Mayo Clinic
Classification: Likely benign. Last evaluated: 2025-05-22. Review status: criteria provided, single submitter. Criteria: ACMG Guidelines, 2015. Collection method: clinical testing. Allele origin: germline. Observed: 2 variant alleles.
Comment: BP4, BP7

NM_005518.4(HMGCS2):c.1188-60GT[14]

Gene: HMGCS2 (3-hydroxy-3-methylglutaryl-CoA synthase 2; minus strand). Cytogenetic location: 1p12.
Variant type: Microsatellite.
Coding change: c.1188-60GT[14] on transcript NM_005518.4 (MANE Select); 14 copies in a row of the 2-base unit GT starting at c.1188-60; the reference has 18 copies in a row; four copies, 8 bases deleted.
Molecular consequence: intron variant.
Genome position (GRCh38, 1-based): chr1:119,753,411-119,753,418, ACACACAC deleted on the plus strand (GTGTGTGT on the coding strand, the reverse complement: HMGCS2 is on the minus strand); deleting any 8 consecutive bases within chr1:119,753,411-119,753,447 gives the same sequence; the position shown is the placement nearest the transcript's 3' end. VCF-style (leftmost placement, unchanged base first): chr1-119753410-AACACACAC-A. GRCh37 (hg19) VCF-style: chr1-120296033-AACACACAC-A.
Other names: p.?; c.1188-32_1188-25del (NM_005518.4); c.1062-60GT[14] (NM_001166107.1).
Identifiers: ClinVar variation 4683417 (VCV004683417.1).